The following is an entry in ClinVar:

NM_002137.4(HNRNPA2B1):c.778GGA[1] (p.Gly261del)

Gene: HNRNPA2B1 (heterogeneous nuclear ribonucleoprotein A2/B1; minus strand). Cytogenetic location: 7p15.2.
Variant type: Microsatellite.
Coding change: c.778GGA[1] on transcript NM_002137.4 (MANE Select); one copy of the 3-base unit GGA starting at c.778; the reference has two copies in a row; one copy, 3 bases deleted.
Protein change: p.Gly261del; deletes glycine 261.
Molecular consequence: inframe deletion. On other transcripts: inframe indel (1).
Genome position (GRCh38, 1-based): chr7:26,193,633-26,193,635, TCC deleted on the plus strand (GGA on the coding strand, the reverse complement: HNRNPA2B1 is on the minus strand); deleting any 3 consecutive bases within chr7:26,193,633-26,193,638 gives the same sequence; the position shown is the placement nearest the transcript's 3' end. VCF-style (leftmost placement, unchanged base first): chr7-26193632-GTCC-G. GRCh37 (hg19) VCF-style: chr7-26233252-GTCC-G.
Other names: c.814_816GGA[1], p.Gly273del (NM_031243.4); short protein forms G261del, G273del.
Identifiers: ClinVar variation 3705124 (VCV003705124.2).

ClinVar aggregate classification (germline): Uncertain significance (1 of 4 stars; one submission).

Conditions:
Inclusion body myopathy with early-onset Paget disease with or without frontotemporal dementia 2 (IBMPFD2). Also called: MULTISYSTEM PROTEINOPATHY 2. Identifiers: MedGen C3809468, MONDO:0014178, OMIM 615422.

Submission:

Labcorp Genetics (formerly Invitae), Labcorp
Classification: Uncertain significance for Inclusion body myopathy with early-onset Paget disease with or without frontotemporal dementia 2. Last evaluated: 2024-12-04. Review status: criteria provided, single submitter. Criteria: Invitae Variant Classification Sherloc (09022015). Collection method: clinical testing. Allele origin: germline.
Comment: This variant, c.817_819del, results in the deletion of 1 amino acid(s) of the HNRNPA2B1 protein (p.Gly273del), but otherwise preserves the integrity of the reading frame. This variant is not present in population databases (gnomAD no frequency). This variant has not been reported in the literature in individuals affected with HNRNPA2B1-related conditions. Experimental studies and prediction algorithms are not available or were not evaluated, and the functional significance of this variant is currently unknown. In summary, the available evidence is currently insufficient to determine the role of this variant in disease. Therefore, it has been classified as a Variant of Uncertain Significance.